The following is an entry in ClinVar:

ClinVar aggregate classification (germline): Uncertain significance (1 of 4 stars; one submission).

gnomAD v4.1: 15 of 1,613,974 alleles (0.00093%); highest among the groups gnomAD compares: Non-Finnish European, 0.0011%; no homozygotes.

Submission:

Labcorp Genetics (formerly Invitae), Labcorp
Classification: Uncertain significance. Last evaluated: 2025-06-14. Review status: criteria provided, single submitter. Criteria: Invitae Variant Classification Sherloc (09022015). Collection method: clinical testing. Allele origin: germline.
Comment: This sequence change replaces glutamic acid, which is acidic and polar, with lysine, which is basic and polar, at codon 638 of the ZNF341 protein (p.Glu638Lys). This variant is present in population databases (no rsID available, gnomAD 0.004%). This variant has not been reported in the literature in individuals affected with ZNF341-related conditions. An algorithm developed to predict the effect of missense changes on protein structure and function (PolyPhen-2) suggests that this variant is likely to be disruptive. In summary, the available evidence is currently insufficient to determine the role of this variant in disease. Therefore, it has been classified as a Variant of Uncertain Significance.

NM_001282933.2(ZNF341):c.1933G>A (p.Glu645Lys)

Genes: ZNF341 (zinc finger protein 341; plus strand), ZNF341-AS1 (ZNF341 antisense RNA 1; minus strand). Cytogenetic location: 20q11.22.
Variant type: single nucleotide variant.
Coding change: c.1933G>A on transcript NM_001282933.2 (MANE Select); coding-DNA position 1933, G replaced by A.
Protein change: p.Glu645Lys; replaces glutamic acid 645 with lysine.
Molecular consequence: missense variant. On other transcripts: non-coding transcript variant (1).
Genome position (GRCh38, 1-based): chr20:33,788,943, G>A. VCF-style: chr20-33788943-G-A. GRCh37 (hg19) VCF-style: chr20-32376749-G-A.
Other names: c.1663G>A, p.Glu555Lys (NM_001282935.2); c.1912G>A, p.Glu638Lys (NM_032819.5); short protein forms E638K, E555K, E645K.
Identifiers: ClinVar variation 4747993 (VCV004747993.1).